The following is an entry in ClinVar:

NM_001292063.2(OTOG):c.4770G>T (p.Arg1590Ser)

Gene: OTOG (otogelin; plus strand). Cytogenetic location: 11p15.1.
Variant type: single nucleotide variant.
Coding change: c.4770G>T on transcript NM_001292063.2 (MANE Select); coding-DNA position 4770, G replaced by T.
Protein change: p.Arg1590Ser; replaces arginine 1590 with serine.
Molecular consequence: missense variant.
Genome position (GRCh38, 1-based): chr11:17,610,070, G>T. VCF-style: chr11-17610070-G-T. GRCh37 (hg19) VCF-style: chr11-17631617-G-T.
Other names: c.4806G>T, p.Arg1602Ser (NM_001277269.2); short protein forms R1602S, R1590S.
Identifiers: ClinVar variation 504784 (VCV000504784.11), dbSNP rs147052893, ClinGen allele CA218475580.

ClinVar aggregate classification (germline): Uncertain significance. Review status: criteria provided, multiple submitters, no conflicts (2 of 4 stars). 5 submissions from 5 submitters: Uncertain significance (5). Last evaluated 2025-07-02.

Conditions:
OTOG-related disorder. Also called: OTOG-related condition.
Autosomal recessive nonsyndromic hearing loss 18B. Also called: Deafness, autosomal recessive 18b. Identifiers: Orphanet 90636, MedGen C3554163, MONDO:0013985, OMIM 614945.

Allele frequency attached by ClinVar (database versions not stated): gnomAD exomes 0.00009; 1000 Genomes Project 30x 0.00031; 1000 Genomes Project 0.00040; gnomAD 0.00046 and 0.00054; TOPMed 0.00054.

Submissions (5):

PreventionGenetics, part of Exact Sciences
Classification: Uncertain significance for OTOG-related condition. Last evaluated: 2025-07-02. Review status: criteria provided, single submitter. Criteria: ACMG Guidelines, 2015. Collection method: clinical testing. Allele origin: germline.
Comment: The OTOG c.4806G>T variant is predicted to result in the amino acid substitution p.Arg1602Ser. To our knowledge, this variant has not been reported in the literature. This variant is reported in 0.090% of alleles in individuals of African descent in gnomAD. Although we suspect that this variant may be benign, at this time, the clinical significance of this variant is uncertain due to the absence of conclusive functional and genetic evidence.

Blueprint Genetics
Classification: Uncertain significance. Last evaluated: 2023-05-19. Review status: criteria provided, single submitter. Criteria: ACMG Guidelines, 2015. Collection method: clinical testing. Allele origin: germline.

HudsonAlpha Institute for Biotechnology
Classification: Uncertain significance for Autosomal recessive nonsyndromic hearing loss 18B. Last evaluated: 2021-07-22. Review status: criteria provided, single submitter. Criteria: ACMG Guidelines, 2015. Collection method: research. Allele origin: unknown. Observed: 1 variant allele. Study: HudsonAlpha-AGHI-WGS.
Comment: ACMG codes:PM2

GeneDx
Classification: Uncertain significance. Last evaluated: 2021-03-01. Review status: criteria provided, single submitter. Criteria: GeneDx Variant Classification Process June 2021. Collection method: clinical testing. Allele origin: germline. Affected: yes.
Comment: In silico analysis supports that this missense variant does not alter protein structure/function; Has not been previously published as pathogenic or benign to our knowledge

Laboratory for Molecular Medicine, Mass General Brigham Personalized Medicine
Classification: Uncertain significance. Last evaluated: 2017-01-28. Review status: criteria provided, single submitter. Criteria: LMM Criteria. Collection method: clinical testing. Allele origin: germline. Observed: 1 variant allele.
Comment: Variant classified as Uncertain Significance - Favor Benign. The p.Arg1602Ser va riant in OTOG has not been previously reported in individuals with hearing loss, but it has been identified in 16/17152 of African chromosomes by the Genome Agg regation Database (gnomAD; dbSNP rs147052893). Although this variant has been seen in the general population, its frequency i s not high enough to rule out a pathogenic role. Computational prediction tools and conservation analyses suggest that this variant may not impact the protein. Of note, the arginine (Arg) at position 1602 is not conserved through species, w ith 1 mammal (shrew) having a serine (Ser) at this position. However, this infor mation is not sufficient enough to rule out pathogenicity. In summary, while the clinical significance of the p.Arg1602Ser variant is uncertain, its presence in other species suggests that it is more likely to be benign.